The following is an entry in ClinVar:

NM_014989.7(RIMS1):c.4460G>A (p.Arg1487Gln)

Gene: RIMS1 (regulating synaptic membrane exocytosis 1; plus strand). Cytogenetic location: 6q13.
Variant type: single nucleotide variant.
Coding change: c.4460G>A on transcript NM_014989.7 (MANE Select); coding-DNA position 4460, G replaced by A.
Protein change: p.Arg1487Gln; replaces arginine 1487 with glutamine.
Molecular consequence: missense variant.
Genome position (GRCh38, 1-based): chr6:72,390,691, G>A. VCF-style: chr6-72390691-G-A. GRCh37 (hg19) VCF-style: chr6-73100393-G-A.
Other names: c.2420G>A, p.Arg807Gln (NM_001168407.2); c.1835G>A, p.Arg612Gln (NM_001168408.2, NM_001350430.2); c.1664G>A, p.Arg555Gln (NM_001168409.2); c.1862G>A, p.Arg621Gln (NM_001168410.2); c.41G>A, p.Arg14Gln (NM_001168411.2); c.2381G>A, p.Arg794Gln (NM_001350414.2); c.2477G>A, p.Arg826Gln (NM_001350415.2); c.2426G>A, p.Arg809Gln (NM_001350416.2); and 54 more; short protein forms R1487Q, R14Q, R531Q, R555Q, R560Q, R561Q, R581Q, R584Q.
Identifiers: ClinVar variation 1015807 (VCV001015807.7), dbSNP rs1195456228, ClinGen allele CA364819184.
Genomic context (GRCh38, chr6:72,390,691, plus strand): 5'-AGAGAAGCACAGAAACAGGCATGGCAGCTGAAATGAGAAAGATGGTAAGGCAGCCGAGCC[G>A]AGAGTCTACTGATGGCAGCATCAACAGTTACAGCTCTGAGGGCAAGTAAGTGCTGTCAGC-3'
Protein context (NP_055804.2, residues 1477-1497): EMRKMVRQPS[Arg1487Gln]ESTDGSINSY

ClinVar aggregate classification (germline): Uncertain significance. Review status: criteria provided, multiple submitters, no conflicts (2 of 4 stars). 2 submissions from 2 submitters: Uncertain significance (2). Last evaluated 2022-10-04.

Allele frequency attached by ClinVar (database versions not stated): gnomAD exomes 0.00001.
gnomAD v4.1: 10 of 1,613,942 alleles (0.00062%); highest among the groups gnomAD compares: East Asian, 0.0022%; no homozygotes.

Submissions (2):

Labcorp Genetics (formerly Invitae), Labcorp
Classification: Uncertain significance. Last evaluated: 2022-10-04. Review status: criteria provided, single submitter. Criteria: Invitae Variant Classification Sherloc (09022015). Collection method: clinical testing. Allele origin: germline.
Comment: In summary, the available evidence is currently insufficient to determine the role of this variant in disease. Therefore, it has been classified as a Variant of Uncertain Significance. Algorithms developed to predict the effect of missense changes on protein structure and function are either unavailable or do not agree on the potential impact of this missense change (SIFT: "Deleterious"; PolyPhen-2: "Probably Damaging"; Align-GVGD: "Class C0"). ClinVar contains an entry for this variant (Variation ID: 1015807). This variant has not been reported in the literature in individuals affected with RIMS1-related conditions. This variant is present in population databases (no rsID available, gnomAD 0.006%). This sequence change replaces arginine, which is basic and polar, with glutamine, which is neutral and polar, at codon 1487 of the RIMS1 protein (p.Arg1487Gln).

Breakthrough Genomics
Classification: Uncertain significance. Review status: criteria provided, single submitter. Criteria: ACMG Guidelines, 2015. Collection method: not provided. Allele origin: germline. Inheritance: Autosomal dominant inheritance. Affected: yes.